The following is an entry in ClinVar:

NM_000256.3(MYBPC3):c.2550C>T (p.Asn850=)

Gene: MYBPC3 (myosin binding protein C3; minus strand). Cytogenetic location: 11p11.2.
Variant type: single nucleotide variant.
Coding change: c.2550C>T on transcript NM_000256.3 (MANE Select); coding-DNA position 2550, C replaced by T.
Protein change: p.Asn850=; no amino-acid change (asparagine 850 retained).
Molecular consequence: synonymous variant.
Genome position (GRCh38, 1-based): chr11:47,337,443, G>A on the plus strand (C>T on the coding strand, the complement: MYBPC3 is on the minus strand). VCF-style: chr11-47337443-G-A. GRCh37 (hg19) VCF-style: chr11-47358994-G-A.
Identifiers: ClinVar variation 920695 (VCV000920695.6), dbSNP rs1387090431, ClinGen allele CA474429557.
Genomic context (GRCh38, chr11:47,337,443, plus strand): 5'-AGGCTCACCGATAGGCATGAAGGGCTGGGAGGCAGGGCTGGGCCTGGACATGCCGATGGC[G>A]TTGACCGCGTAGACGCGCATCTCGTACACCACGCCCTCGATCATGCGCCGCGCTTCATGA-3'
Protein context (NP_000247.2, residues 840-860): VVYEMRVYAV[Asn850=]AIGMSRPSPA

ClinVar aggregate classification (germline): Likely benign. Review status: criteria provided, multiple submitters, no conflicts (2 of 4 stars). 4 submissions from 4 submitters: Likely benign (4). Last evaluated 2025-06-09.

Conditions:
Cardiovascular phenotype. Identifiers: MedGen CN230736.
Cardiomyopathy (CMYO). Also called: Cardiomyopathies. Identifiers: Orphanet 167848, MedGen C0878544, MONDO:0004994, HP:0001638. Inheritance: Various modes of inheritance.
Hypertrophic cardiomyopathy. Also called: HYPERTROPHIC MYOCARDIOPATHY. Identifiers: Orphanet 217569, MedGen C0007194, MeSH D002312, MONDO:0005045, HP:0001639.

Allele frequency attached by ClinVar (database versions not stated): gnomAD exomes below 0.00001 and 0.00001.

Submissions (4):

Ambry Genetics
Classification: Likely benign for Cardiovascular phenotype. Last evaluated: 2025-06-09. Review status: criteria provided, single submitter. Criteria: Ambry Variant Classification Scheme 2023. Collection method: clinical testing. Allele origin: germline.

Labcorp Genetics (formerly Invitae), Labcorp
Classification: Likely benign for Hypertrophic cardiomyopathy. Last evaluated: 2025-01-27. Review status: criteria provided, single submitter. Criteria: Invitae Variant Classification Sherloc (09022015). Collection method: clinical testing. Allele origin: germline.

All of Us Research Program, National Institutes of Health
Classification: Likely benign for Hypertrophic cardiomyopathy. Last evaluated: 2023-12-01. Review status: criteria provided, single submitter. Criteria: ACMG Guidelines, 2015. Collection method: clinical testing. Allele origin: germline. Inheritance: Autosomal dominant inheritance. Observed: 2 variant alleles, 2 heterozygotes.
Comment: This study involves interpretation of variants in research participants for the purpose of population health screening. Participant phenotype was not available at the time of variant classification. Additional details can be found in publication PMID: 35346344, PMCID: PMC8962531

Color Diagnostics, LLC DBA Color Health
Classification: Likely benign for Cardiomyopathy. Last evaluated: 2019-06-22. Review status: criteria provided, single submitter. Criteria: ACMG Guidelines, 2015. Collection method: clinical testing. Allele origin: germline.